The following is an entry in ClinVar:

ClinVar aggregate classification (germline): Uncertain significance (1 of 4 stars; one submission).

Submission:

Labcorp Genetics (formerly Invitae), Labcorp
Classification: Uncertain significance. Last evaluated: 2021-10-25. Review status: criteria provided, single submitter. Criteria: Invitae Variant Classification Sherloc (09022015). Collection method: clinical testing. Allele origin: germline.
Comment: In summary, the available evidence is currently insufficient to determine the role of this variant in disease. Therefore, it has been classified as a Variant of Uncertain Significance. Algorithms developed to predict the effect of missense changes on protein structure and function (SIFT, PolyPhen-2, Align-GVGD) all suggest that this variant is likely to be tolerated. This variant has not been reported in the literature in individuals affected with LRAT-related conditions. This variant is not present in population databases (gnomAD no frequency). This sequence change replaces proline, which is neutral and non-polar, with threonine, which is neutral and polar, at codon 223 of the LRAT protein (p.Pro223Thr).

NM_004744.5(LRAT):c.667C>A (p.Pro223Thr)

Gene: LRAT (lecithin retinol acyltransferase; plus strand). Cytogenetic location: 4q32.1.
Variant type: single nucleotide variant.
Coding change: c.667C>A on transcript NM_004744.5 (MANE Select); coding-DNA position 667, C replaced by A.
Protein change: p.Pro223Thr; replaces proline 223 with threonine.
Molecular consequence: missense variant.
Genome position (GRCh38, 1-based): chr4:154,749,110, C>A. VCF-style: chr4-154749110-C-A. GRCh37 (hg19) VCF-style: chr4-155670262-C-A.
Other names: c.667C>A, p.Pro223Thr (NM_001301645.2); short protein forms P223T.
Identifiers: ClinVar variation 1484569 (VCV001484569.6), dbSNP rs2111038370, ClinGen allele CA358631184.
Genomic context (GRCh38, chr4:154,749,110, plus strand): 5'-TTGGCGTCTATAGTCTGTACGGGCTTGGTATCATACACTACCCTTCCTGCAATTTTTATT[C>A]CATTCTTCCTATGGATGGCTGGCTAACTTCATACCCCCATGTCAGTGTGTGTATTCTGTA-3'
Protein context (NP_004735.2, residues 213-230): SYTTLPAIFI[Pro223Thr]FFLWMAG